The following is an entry in ClinVar:

ClinVar aggregate classification (germline): Uncertain significance (1 of 4 stars; one submission).

Allele frequency attached by ClinVar (database versions not stated): gnomAD exomes below 0.00001.
gnomAD v4.1: 1 of 1,605,044 alleles (0.000062%); highest among the groups gnomAD compares: Admixed American, 0.0017%; no homozygotes.

Submission:

Labcorp Genetics (formerly Invitae), Labcorp
Classification: Uncertain significance. Last evaluated: 2023-05-23. Review status: criteria provided, single submitter. Criteria: Invitae Variant Classification Sherloc (09022015). Collection method: clinical testing. Allele origin: germline.
Comment: In summary, the available evidence is currently insufficient to determine the role of this variant in disease. Therefore, it has been classified as a Variant of Uncertain Significance. An algorithm developed to predict the effect of missense changes on protein structure and function (PolyPhen-2) suggests that this variant is likely to be disruptive. ClinVar contains an entry for this variant (Variation ID: 1021104). This missense change has been observed in individual(s) with clinical features of TANGO2-related conditions (Invitae). In at least one individual the data is consistent with being in trans (on the opposite chromosome) from a pathogenic variant. The frequency data for this variant in the population databases is considered unreliable, as metrics indicate poor data quality at this position in the gnomAD database. This sequence change replaces lysine, which is basic and polar, with glutamic acid, which is acidic and polar, at codon 166 of the TANGO2 protein (p.Lys166Glu).

NM_152906.7(TANGO2):c.496A>G (p.Lys166Glu)

Gene: TANGO2 (transport and golgi organization 2 homolog; plus strand). Cytogenetic location: 22q11.21.
Variant type: single nucleotide variant.
Coding change: c.496A>G on transcript NM_152906.7 (MANE Select); coding-DNA position 496, A replaced by G.
Protein change: p.Lys166Glu; replaces lysine 166 with glutamic acid.
Molecular consequence: missense variant. On other transcripts: non-coding transcript variant (3), intron variant (4).
Genome position (GRCh38, 1-based): chr22:20,061,574, A>G. VCF-style: chr22-20061574-A-G. GRCh37 (hg19) VCF-style: chr22-20049097-A-G.
Other names: c.496A>G, p.Lys166Glu (NM_001283106.3, NM_001283116.3, NM_001283148.3 and 2 more transcripts); c.619A>G, p.Lys207Glu (NM_001283129.3, NM_001322141.2, NM_001322143.2 and 1 more transcripts); c.310A>G, p.Lys104Glu (NM_001283179.3, NM_001283186.3, NM_001322163.2 and 3 more transcripts); c.202A>G, p.Lys68Glu (NM_001283235.3, NM_001322150.2, NM_001322153.2 and 6 more transcripts); c.433A>G, p.Lys145Glu (NM_001322145.2, NM_001322147.2); c.394A>G, p.Lys132Glu (NM_001322146.2, NM_001322148.2, NM_001322160.2); c.381-1764A>G (NM_001283199.3); c.575-2968A>G (NM_001283215.3); and 2 more; short protein forms K104E, K132E, K145E, K166E, K207E, K68E.
Identifiers: ClinVar variation 1021104 (VCV001021104.8), dbSNP rs1381037848, ClinGen allele CA410699162.
Genomic context (GRCh38, chr22:20,061,574, plus strand): 5'-TGATTGCTCCTCACAGGCACCTACGGGCTGAGCAACGCGCTGCTGGAGACTCCCTGGAGG[A>G]AGCTGTGCTTTGGGAAGCAGCTCTTCCTGGAGGCTGTGGAACGGAGCCAGGCGCTGCCCA-3'
Protein context (NP_690870.3, residues 156-176): SNALLETPWR[Lys166Glu]LCFGKQLFLE